The following is an entry in ClinVar:

NM_018136.5(ASPM):c.7847A>T (p.Asn2616Ile)

Gene: ASPM (assembly factor for spindle microtubules; minus strand). Cytogenetic location: 1q31.3.
Variant type: single nucleotide variant.
Coding change: c.7847A>T on transcript NM_018136.5 (MANE Select); coding-DNA position 7847, A replaced by T.
Protein change: p.Asn2616Ile; replaces asparagine 2616 with isoleucine.
Molecular consequence: missense variant. On other transcripts: intron variant (1).
Genome position (GRCh38, 1-based): chr1:197,101,404, T>A on the plus strand (A>T on the coding strand, the complement: ASPM is on the minus strand). VCF-style: chr1-197101404-T-A. GRCh37 (hg19) VCF-style: chr1-197070534-T-A.
Other names: c.4066-5240A>T (NM_001206846.2); short protein forms N2616I.
Identifiers: ClinVar variation 1715194 (VCV001715194.5), dbSNP rs2527291304, ClinGen allele CA344015239.
Genomic context (GRCh38, chr1:197,101,404, plus strand): 5'-TTACAATGCTTCTGAATAATAATGGCAGCCTGGTGCTGTTCCTGAATCTGTTTTTTTATG[T>A]TCATGTCCTGAAAACCTGCCTGAACACAAGTCTCTTTCTTAAGTTCATTGTGTTGAAATA-3'
Protein context (NP_060606.3, residues 2606-2626): TCVQAGFQDM[Asn2616Ile]IKKQIQEQHQ

ClinVar aggregate classification (germline): Uncertain significance (1 of 4 stars; one submission).

Allele frequency attached by ClinVar (database versions not stated): gnomAD exomes below 0.00001.
gnomAD v4.1: 2 of 1,608,470 alleles (0.00012%); highest among the groups gnomAD compares: Non-Finnish European, 0.00017%; no homozygotes.

Submission:

Labcorp Genetics (formerly Invitae), Labcorp
Classification: Uncertain significance. Last evaluated: 2022-08-05. Review status: criteria provided, single submitter. Criteria: Invitae Variant Classification Sherloc (09022015). Collection method: clinical testing. Allele origin: germline.
Comment: In summary, the available evidence is currently insufficient to determine the role of this variant in disease. Therefore, it has been classified as a Variant of Uncertain Significance. Algorithms developed to predict the effect of missense changes on protein structure and function output the following: SIFT: "Tolerated"; PolyPhen-2: "Benign"; Align-GVGD: "Class C0". The isoleucine amino acid residue is found in multiple mammalian species, which suggests that this missense change does not adversely affect protein function. This variant has not been reported in the literature in individuals affected with ASPM-related conditions. This variant is not present in population databases (gnomAD no frequency). This sequence change replaces asparagine, which is neutral and polar, with isoleucine, which is neutral and non-polar, at codon 2616 of the ASPM protein (p.Asn2616Ile).